The following is an entry in ClinVar:

NM_177438.3(DICER1):c.1894G>A (p.Gly632Arg)

Gene: DICER1 (dicer 1, ribonuclease III; minus strand). Cytogenetic location: 14q32.13.
Variant type: single nucleotide variant.
Coding change: c.1894G>A on transcript NM_177438.3 (MANE Select); coding-DNA position 1894, G replaced by A.
Protein change: p.Gly632Arg; replaces glycine 632 with arginine.
Molecular consequence: missense variant. On other transcripts: non-coding transcript variant (6).
Genome position (GRCh38, 1-based): chr14:95,115,680, C>T on the plus strand (G>A on the coding strand, the complement: DICER1 is on the minus strand). VCF-style: chr14-95115680-C-T. GRCh37 (hg19) VCF-style: chr14-95582017-C-T.
Other names: c.1894G>A, p.Gly632Arg (NM_001195573.1, NM_001271282.3, NM_001291628.2 and 12 more transcripts); c.1612G>A, p.Gly538Arg (NM_001395686.1); c.1489G>A, p.Gly497Arg (NM_001395687.1, NM_001395688.1, NM_001395689.1 and 3 more transcripts); c.1327G>A, p.Gly443Arg (NM_001395691.1); c.211G>A, p.Gly71Arg (NM_001395697.1); short protein forms G632R, G443R, G497R, G538R, G71R.
Identifiers: ClinVar variation 3501971 (VCV003501971.1).

ClinVar aggregate classification (germline): Uncertain significance (1 of 4 stars; one submission).

Conditions:
Hereditary cancer-predisposing syndrome. Also called: Tumor predisposition; Neoplastic Syndromes, Hereditary; Hereditary Cancer Syndrome; Hereditary neoplastic syndrome. Identifiers: Orphanet 140162, MedGen C0027672, MeSH D009386, MONDO:0015356.

Submission:

Ambry Genetics
Classification: Uncertain significance for Hereditary cancer-predisposing syndrome. Last evaluated: 2024-12-06. Review status: criteria provided, single submitter. Criteria: Ambry Variant Classification Scheme 2023. Collection method: clinical testing. Allele origin: germline.
Comment: The p.G632R variant (also known as c.1894G>A), located in coding exon 10 of the DICER1 gene, results from a G to A substitution at nucleotide position 1894. The glycine at codon 632 is replaced by arginine, an amino acid with dissimilar properties. This amino acid position is conserved. In addition, the in silico prediction for this alteration is inconclusive. Based on the available evidence, the clinical significance of this variant remains unclear.